The following is an entry in ClinVar:

NM_003737.4(DCHS1):c.2732C>T (p.Thr911Ile)

Gene: DCHS1 (dachsous cadherin-related 1; minus strand). Cytogenetic location: 11p15.4.
Variant type: single nucleotide variant.
Coding change: c.2732C>T on transcript NM_003737.4 (MANE Select); coding-DNA position 2732, C replaced by T.
Protein change: p.Thr911Ile; replaces threonine 911 with isoleucine.
Molecular consequence: missense variant.
Genome position (GRCh38, 1-based): chr11:6,632,780, G>A on the plus strand (C>T on the coding strand, the complement: DCHS1 is on the minus strand). VCF-style: chr11-6632780-G-A. GRCh37 (hg19) VCF-style: chr11-6654011-G-A.
Other names: short protein forms T911I.
Identifiers: ClinVar variation 4698137 (VCV004698137.1).
Genomic context (GRCh38, chr11:6,632,780, plus strand): 5'-AAGGTGACTCGACTGTTAACACCTGAGTCGGGGTCAAGAGCCCGCAGTGTATAGATGGGA[G>A]TCCCTGGGGCAGTGTTTGGTGGTAGCAATACCGTGTCTTCAGGTGCAGGAAAGGCAGGGG-3'
Protein context (NP_003728.1, residues 901-921): VLLPPNTAPG[Thr911Ile]PIYTLRALDP

ClinVar aggregate classification (germline): Uncertain significance (1 of 4 stars; one submission).

gnomAD v4.1: 1 of 1,613,778 alleles (0.000062%); highest among the groups gnomAD compares: Admixed American, 0.0017%; no homozygotes.

Submission:

Labcorp Genetics (formerly Invitae), Labcorp
Classification: Uncertain significance. Last evaluated: 2025-12-23. Review status: criteria provided, single submitter. Criteria: Invitae Variant Classification Sherloc (09022015). Collection method: clinical testing. Allele origin: germline.
Comment: This sequence change replaces threonine, which is neutral and polar, with isoleucine, which is neutral and non-polar, at codon 911 of the DCHS1 protein (p.Thr911Ile). This variant is not present in population databases (gnomAD no frequency). This variant has not been reported in the literature in individuals affected with DCHS1-related conditions. Invitae Evidence Modeling of protein sequence and biophysical properties (such as structural, functional, and spatial information, amino acid conservation, physicochemical variation, residue mobility, and thermodynamic stability) indicates that this missense variant is expected to disrupt DCHS1 protein function with a positive predictive value of 80%. In summary, the available evidence is currently insufficient to determine the role of this variant in disease. Therefore, it has been classified as a Variant of Uncertain Significance.